The following is an entry in ClinVar:

NM_000718.4(CACNA1B):c.2479dup (p.Arg827fs)

Gene: CACNA1B (calcium voltage-gated channel subunit alpha1 B; plus strand). Cytogenetic location: 9q34.3.
Variant type: Duplication.
Coding change: c.2479dup on transcript NM_000718.4 (MANE Select); coding-DNA position 2479, one base duplicated (C; older notation c.2479dupC).
Protein change: p.Arg827fs; shifts the reading frame from arginine 827.
Molecular consequence: frameshift variant.
Genome position (GRCh38, 1-based): chr9:138,023,222, C duplicated. VCF-style (leftmost placement, unchanged base first): chr9-138023221-G-GC. GRCh37 (hg19) VCF-style: chr9-140917673-G-GC.
Other names: c.2479dup, p.Arg827fs (NM_001243812.2); short protein forms R827fs.
Identifiers: ClinVar variation 2028733 (VCV002028733.4), dbSNP rs2539373332, ClinGen allele CA2580081103.

ClinVar aggregate classification (germline): Pathogenic (1 of 4 stars; one submission).

Submission:

Labcorp Genetics (formerly Invitae), Labcorp
Classification: Pathogenic. Last evaluated: 2022-09-03. Review status: criteria provided, single submitter. Criteria: Invitae Variant Classification Sherloc (09022015). Collection method: clinical testing. Allele origin: germline.
Comment: For these reasons, this variant has been classified as Pathogenic. This variant has not been reported in the literature in individuals affected with CACNA1B-related conditions. This variant is not present in population databases (gnomAD no frequency). This sequence change creates a premature translational stop signal (p.Arg827Profs*11) in the CACNA1B gene. It is expected to result in an absent or disrupted protein product. Loss-of-function variants in CACNA1B are known to be pathogenic (PMID: 30982612).

Literature cited by the submitters: PubMed 30982612.